The following is an entry in ClinVar:

ClinVar aggregate classification (germline): Benign. Review status: reviewed by expert panel (3 of 4 stars). 10 submissions from 10 submitters: Benign (1). 9 of the submissions do not count toward it. Last evaluated 2024-05-09.

Conditions:
SCN3A-related disorder. Also called: SCN3A-related condition.
Developmental and epileptic encephalopathy, 62. Also called: Early infantile epileptic encephalopathy 62. Identifiers: MedGen C4693699, MONDO:0033371, OMIM 617938.
Epilepsy, familial focal, with variable foci 4 (FFEVF4). Identifiers: MedGen C4693694, MONDO:0054776, OMIM 617935.
Developmental and epileptic encephalopathy. Identifiers: MedGen C5779964, MONDO:0100620.

Allele frequency attached by ClinVar (database versions not stated): 1000 Genomes Project 0.00200; 1000 Genomes Project 30x 0.00234; gnomAD 0.00507 and 0.00518; gnomAD exomes 0.00514 and 0.00794; TOPMed 0.00522; ExAC 0.00550; ESP Exome Variant Server 0.00600.
gnomAD v4.1: 12,224 of 1,614,110 alleles (0.76%); highest among the groups gnomAD compares: Non-Finnish European, 0.92%; 71 homozygotes.

Submissions (10):

ClinGen Epilepsy Sodium Channel Variant Curation Expert Panel, Clingen
Classification: Benign for Developmental and epileptic encephalopathy. Last evaluated: 2024-05-09. Review status: reviewed by expert panel. Criteria: ClinGen EpilepsySCN ACMG Specifications SCN3A V1.0.0. Collection method: curation. Allele origin: germline. Inheritance: Autosomal dominant inheritance.
Comment: The c.3250G>A variant in SCN3A is a missense variant predicted to cause the subsitution of valine by isoleucine at amino acid 1084 (p.Val1084Ile). The variant is present in 0.5% of the total population, and 0.7% of the European (non-Finnish) population, in gnomAD v2.1.1, which exceeds the threshold of 0.01% for BA1. The in silico predictor REVEL score for this variant is 0.155 which meets the criteria for BP4_Moderate. The variant has not been reported in an individual with developmental and epileptic encepathalopathy in the reported literature to date, and does not fall within a pathogenic enriched region. In summary, this variant meets the criteria to be classified as benign for autosomal dominant developmental and epileptic encephalopathy based on the ACMG/AMP criteria applied, as specified by the ClinGen Epilepsy Sodium Channel VCEP: BA1, BP4_Moderate (specification v1.0; approved 6/27/23).

CeGaT Center for Human Genetics Tuebingen
Classification: Benign. Last evaluated: 2026-07-01. Review status: criteria provided, single submitter. Criteria: CeGaT Center For Human Genetics Tuebingen Variant Classification Criteria Version 2. Collection method: clinical testing. Allele origin: germline. Affected: yes. Observed: 35 variant alleles. Not counted in ClinVar's aggregate classification.
Comment: SCN3A: BP4, BS1, BS2

Labcorp Genetics (formerly Invitae), Labcorp
Classification: Benign. Last evaluated: 2026-02-02. Review status: criteria provided, single submitter. Criteria: Invitae Variant Classification Sherloc (09022015). Collection method: clinical testing. Allele origin: germline. Not counted in ClinVar's aggregate classification.

PreventionGenetics, part of Exact Sciences
Classification: Benign for SCN3A-related condition. Last evaluated: 2024-12-04. Review status: criteria provided, single submitter. Criteria: ACMG Guidelines, 2015. Collection method: clinical testing. Allele origin: germline. Not counted in ClinVar's aggregate classification.
Comment: This variant is classified as benign based on ACMG/AMP sequence variant interpretation guidelines (Richards et al. 2015 PMID: 25741868, with internal and published modifications).

Athena Diagnostics
Classification: Benign. Last evaluated: 2024-04-22. Review status: criteria provided, single submitter. Criteria: Athena Diagnostics Criteria. Collection method: clinical testing. Allele origin: unknown. Not counted in ClinVar's aggregate classification.

Mayo Clinic Laboratories, Mayo Clinic
Classification: Benign. Last evaluated: 2022-11-17. Review status: criteria provided, single submitter. Criteria: ACMG Guidelines, 2015. Collection method: clinical testing. Allele origin: germline. Observed: 7 variant alleles. Not counted in ClinVar's aggregate classification.
Comment: BS1, BS2, BP4

Fulgent Genetics
Classification: Likely benign for Epilepsy, familial focal, with variable foci 4; Developmental and epileptic encephalopathy, 62. Last evaluated: 2022-04-22. Review status: criteria provided, single submitter. Criteria: ACMG Guidelines, 2015. Collection method: clinical testing. Allele origin: unknown. Not counted in ClinVar's aggregate classification.

Genomic Diagnostic Laboratory, Division of Genomic Diagnostics, Children's Hospital of Philadelphia
Classification: Likely benign. Last evaluated: 2015-11-06. Review status: criteria provided, single submitter. Criteria: DGD Variant Analysis Guidelines. Collection method: clinical testing. Allele origin: unknown. Not counted in ClinVar's aggregate classification.

Eurofins Ntd Llc (ga)
Classification: Likely benign. Last evaluated: 2014-07-16. Review status: criteria provided, single submitter. Criteria: EGL Classification Definitions 2015. Collection method: clinical testing. Allele origin: germline. Observed: 2 variant alleles, 2 heterozygotes. Not counted in ClinVar's aggregate classification.

Breakthrough Genomics
Classification: Likely benign. Review status: criteria provided, single submitter. Criteria: ACMG Guidelines, 2015. Collection method: not provided. Allele origin: germline. Inheritance: Autosomal dominant inheritance. Affected: yes. Not counted in ClinVar's aggregate classification.

Literature cited by the submitters: PubMed 27957625 (cited by Athena Diagnostics); PubMed 27001614 (cited by Athena Diagnostics); PubMed 19702560 (cited by Athena Diagnostics).

NM_006922.4(SCN3A):c.3250G>A (p.Val1084Ile)

Gene: SCN3A (sodium voltage-gated channel alpha subunit 3; minus strand). Cytogenetic location: 2q24.3.
Variant type: single nucleotide variant.
Coding change: c.3250G>A on transcript NM_006922.4 (MANE Select); coding-DNA position 3250, G replaced by A.
Protein change: p.Val1084Ile; replaces valine 1084 with isoleucine.
Molecular consequence: missense variant.
Genome position (GRCh38, 1-based): chr2:165,127,774, C>T on the plus strand (G>A on the coding strand, the complement: SCN3A is on the minus strand). VCF-style: chr2-165127774-C-T. GRCh37 (hg19) VCF-style: chr2-165984284-C-T.
Other names: NM_006922.4(SCN3A):c.3250G>A; c.3103G>A, p.Val1035Ile (NM_001081676.2, NM_001081677.2); short protein forms V1035I, V1084I.
Identifiers: ClinVar variation 194857 (VCV000194857.53), dbSNP rs140990288, ClinGen allele CA214587.
Genomic context (GRCh38, chr2:165,127,774, plus strand): 5'-GCACTGTGACGGTGAGGCTGGGGTTGTTTATGAATGACATATAATCATTTTCATCGATTA[C>T]GTATTTTTCAACACTGCTTCCAGTACCTACACCACTGGTGGTTCCATTCCCATCTCTAAG-3'
Protein context (NP_008853.3, residues 1074-1094): VGTGSSVEKY[Val1084Ile]IDENDYMSFI